The following is an entry in ClinVar:

NM_152266.5(FAAP24):c.377C>T (p.Ser126Phe)

Gene: FAAP24 (FA core complex associated protein 24; plus strand). Cytogenetic location: 19q13.11.
Variant type: single nucleotide variant.
Coding change: c.377C>T on transcript NM_152266.5 (MANE Select); coding-DNA position 377, C replaced by T.
Protein change: p.Ser126Phe; replaces serine 126 with phenylalanine.
Molecular consequence: missense variant.
Genome position (GRCh38, 1-based): chr19:32,974,193, C>T. VCF-style: chr19-32974193-C-T. GRCh37 (hg19) VCF-style: chr19-33465099-C-T.
Other names: c.92C>T, p.Ser31Phe (NM_001300978.2); short protein forms S126F, S31F.
Identifiers: ClinVar variation 784831 (VCV000784831.7), dbSNP rs36017455, ClinGen allele CA9360118.

ClinVar aggregate classification (germline): Benign. Review status: criteria provided, multiple submitters, no conflicts (2 of 4 stars). 3 submissions from 3 submitters: Benign (2). 1 of the submissions does not count toward it. Last evaluated 2019-12-31.

Conditions:
FAAP24-related disorder. Also called: FAAP24-related condition.

Allele frequency attached by ClinVar (database versions not stated): ExAC 0.00502; gnomAD 0.00478 and 0.00481; gnomAD exomes 0.00541; 1000 Genomes Project 0.00319; ESP Exome Variant Server 0.00446; 1000 Genomes Project 30x 0.00328; TOPMed 0.00552.
gnomAD v4.1: 9,579 of 1,613,312 alleles (0.59%); highest among the groups gnomAD compares: Middle Eastern, 1.5%; 54 homozygotes.

Submissions (3):

Labcorp Genetics (formerly Invitae), Labcorp
Classification: Benign. Last evaluated: 2019-12-31. Review status: criteria provided, single submitter. Criteria: Invitae Variant Classification Sherloc (09022015). Collection method: clinical testing. Allele origin: germline.

Breakthrough Genomics
Classification: Benign. Review status: criteria provided, single submitter. Criteria: ACMG Guidelines, 2015. Collection method: not provided. Allele origin: germline. Inheritance: Unknown mechanism. Affected: yes.

PreventionGenetics, part of Exact Sciences
Classification: Likely benign for FAAP24-related condition. Last evaluated: 2020-02-24. Review status: no assertion criteria provided. Collection method: clinical testing. Allele origin: germline. Not counted in ClinVar's aggregate classification.
Comment: This variant is classified as likely benign based on ACMG/AMP sequence variant interpretation guidelines (Richards et al. 2015 PMID: 25741868, with internal and published modifications).